The following is an entry in ClinVar:

ClinVar aggregate classification (germline): Uncertain significance (1 of 4 stars; one submission).

Conditions:
Cardiovascular phenotype. Identifiers: MedGen CN230736.

Allele frequency attached by ClinVar (database versions not stated): gnomAD exomes below 0.00001; TOPMed below 0.00001.
gnomAD v4.1: 2 of 1,562,322 alleles (0.00013%); highest among the groups gnomAD compares: Admixed American, 0.0019%; no homozygotes.

Submission:

Ambry Genetics
Classification: Uncertain significance for Cardiovascular phenotype. Last evaluated: 2021-04-22. Review status: criteria provided, single submitter. Criteria: Ambry Variant Classification Scheme 2023. Collection method: clinical testing. Allele origin: germline.
Comment: The p.S250G variant (also known as c.748A>G), located in coding exon 10 of the TXNRD2 gene, results from an A to G substitution at nucleotide position 748. The serine at codon 250 is replaced by glycine, an amino acid with similar properties. This amino acid position is highly conserved in available vertebrate species. In addition, the in silico prediction for this alteration is inconclusive. Since supporting evidence is limited at this time, the clinical significance of this alteration remains unclear.

NM_006440.5(TXNRD2):c.748A>G (p.Ser250Gly)

Gene: TXNRD2 (thioredoxin reductase 2; minus strand). Cytogenetic location: 22q11.21.
Variant type: single nucleotide variant.
Coding change: c.748A>G on transcript NM_006440.5 (MANE Select); coding-DNA position 748, A replaced by G.
Protein change: p.Ser250Gly; replaces serine 250 with glycine.
Molecular consequence: missense variant. On other transcripts: non-coding transcript variant (1).
Genome position (GRCh38, 1-based): chr22:19,898,065, T>C on the plus strand (A>G on the coding strand, the complement: TXNRD2 is on the minus strand). VCF-style: chr22-19898065-T-C. GRCh37 (hg19) VCF-style: chr22-19885588-T-C.
Other names: c.748A>G, p.Ser250Gly (NM_001282512.3); c.745A>G, p.Ser249Gly (NM_001352300.2); c.658A>G, p.Ser220Gly (NM_001352301.2); c.460A>G, p.Ser154Gly (NM_001352302.2); c.652A>G, p.Ser218Gly (NM_001352303.2); short protein forms S154G, S250G, S218G, S249G, S220G.
Identifiers: ClinVar variation 1759136 (VCV001759136.2), dbSNP rs1395120530, ClinGen allele CA410687384.